The following is an entry in ClinVar:

NM_002519.3(NPAT):c.1597C>G (p.Leu533Val)

Gene: NPAT (nuclear protein, coactivator of histone transcription; minus strand). Cytogenetic location: 11q22.3.
Variant type: single nucleotide variant.
Coding change: c.1597C>G on transcript NM_002519.3 (MANE Select); coding-DNA position 1597, C replaced by G.
Protein change: p.Leu533Val; replaces leucine 533 with valine.
Molecular consequence: missense variant.
Genome position (GRCh38, 1-based): chr11:108,173,387, G>C on the plus strand (C>G on the coding strand, the complement: NPAT is on the minus strand). VCF-style: chr11-108173387-G-C. GRCh37 (hg19) VCF-style: chr11-108044114-G-C.
Other names: c.1597C>G, p.Leu533Val (NM_001321307.1); short protein forms L533V.
Identifiers: ClinVar variation 2992504 (VCV002992504.3), dbSNP rs781511341, ClinGen allele CA382514791.
Genomic context (GRCh38, chr11:108,173,387, plus strand): 5'-TTTCACAAAATTGACTTTTTTTAGATGGCTTTCCAGTTAATGAAGTATCTTGGGATAAAA[G>C]TTGAGAACTCTTCCCAGAGAGAATTAAGTTTTCATTGTTAGCTTCACAACCAAGTGAAAC-3'
Protein context (NP_002510.2, residues 523-543): NLILSGKSSQ[Leu533Val]LSQDTSLTGK

ClinVar aggregate classification (germline): Uncertain significance (1 of 4 stars; one submission).

Submission:

Labcorp Genetics (formerly Invitae), Labcorp
Classification: Uncertain significance. Last evaluated: 2023-09-19. Review status: criteria provided, single submitter. Criteria: Invitae Variant Classification Sherloc (09022015). Collection method: clinical testing. Allele origin: germline.
Comment: In summary, the available evidence is currently insufficient to determine the role of this variant in disease. Therefore, it has been classified as a Variant of Uncertain Significance. An algorithm developed to predict the effect of missense changes on protein structure and function (PolyPhen-2) suggests that this variant is likely to be tolerated. This variant has not been reported in the literature in individuals affected with NPAT-related conditions. This variant is not present in population databases (gnomAD no frequency). This sequence change replaces leucine, which is neutral and non-polar, with valine, which is neutral and non-polar, at codon 533 of the NPAT protein (p.Leu533Val).